The following is an entry in ClinVar:

ClinVar aggregate classification (germline): Likely benign. Review status: criteria provided, multiple submitters, no conflicts (2 of 4 stars). 2 submissions from 2 submitters: Likely benign (2). Last evaluated 2018-06-16.

Allele frequency attached by ClinVar (database versions not stated): 1000 Genomes Project 0.00659; 1000 Genomes Project 30x 0.00718; gnomAD 0.01437 and 0.01505; TOPMed 0.01555; gnomAD exomes 0.01997.
gnomAD v4.1: 20,907 of 1,081,998 alleles (1.9%); highest among the groups gnomAD compares: Middle Eastern, 2.9%; 268 homozygotes.

Submissions (2):

GeneDx
Classification: Likely benign. Last evaluated: 2018-06-16. Review status: criteria provided, single submitter. Criteria: GeneDx Variant Classification (06012015). Collection method: clinical testing. Allele origin: germline. Affected: yes.
Comment: This variant is considered likely benign or benign based on one or more of the following criteria: it is a conservative change, it occurs at a poorly conserved position in the protein, it is predicted to be benign by multiple in silico algorithms, and/or has population frequency not consistent with disease.

Breakthrough Genomics
Classification: Likely benign. Review status: criteria provided, single submitter. Criteria: ACMG Guidelines, 2015. Collection method: not provided. Allele origin: germline. Inheritance: Autosomal dominant inheritance. Affected: yes.

NM_005633.4(SOS1):c.2792-71C>T

Gene: SOS1 (SOS Ras/Rac guanine nucleotide exchange factor 1; minus strand). Cytogenetic location: 2p22.1.
Variant type: single nucleotide variant.
Coding change: c.2792-71C>T on transcript NM_005633.4 (MANE Select); 71 bases into the intron before coding-DNA position 2792, C replaced by T.
Molecular consequence: intron variant.
Genome position (GRCh38, 1-based): chr2:38,997,496, G>A on the plus strand (C>T on the coding strand, the complement: SOS1 is on the minus strand). VCF-style: chr2-38997496-G-A. GRCh37 (hg19) VCF-style: chr2-39224637-G-A.
Other names: c.2771-71C>T (NM_001382394.1); c.2792-71C>T (NM_001382395.1).
Identifiers: ClinVar variation 561381 (VCV000561381.2), dbSNP rs114521469, ClinGen allele CA15150766.